The following is an entry in ClinVar:

ClinVar aggregate classification (germline): Uncertain significance. Review status: criteria provided, multiple submitters, no conflicts (2 of 4 stars). 2 submissions from 2 submitters: Uncertain significance (2). Last evaluated 2024-07-02.

Conditions:
Inborn genetic diseases. Identifiers: MedGen C0950123, MeSH D030342.

Allele frequency attached by ClinVar (database versions not stated): ExAC 0.00001; gnomAD exomes 0.00001; gnomAD 0.00005; TOPMed 0.00005.
gnomAD v4.1: 17 of 1,613,218 alleles (0.0011%); highest among the groups gnomAD compares: African/African-American, 0.023%; no homozygotes.

Submissions (2):

Ambry Genetics
Classification: Uncertain significance for Inborn genetic diseases. Last evaluated: 2024-07-02. Review status: criteria provided, single submitter. Criteria: Ambry Variant Classification Scheme 2023. Collection method: clinical testing. Allele origin: germline.

Labcorp Genetics (formerly Invitae), Labcorp
Classification: Uncertain significance. Last evaluated: 2022-07-29. Review status: criteria provided, single submitter. Criteria: Invitae Variant Classification Sherloc (09022015). Collection method: clinical testing. Allele origin: germline.
Comment: This sequence change replaces asparagine, which is neutral and polar, with histidine, which is basic and polar, at codon 573 of the EIF2AK3 protein (p.Asn573His). This variant is present in population databases (rs749734822, gnomAD 0.01%). This variant has not been reported in the literature in individuals affected with EIF2AK3-related conditions. Algorithms developed to predict the effect of missense changes on protein structure and function (SIFT, PolyPhen-2, Align-GVGD) all suggest that this variant is likely to be tolerated. In summary, the available evidence is currently insufficient to determine the role of this variant in disease. Therefore, it has been classified as a Variant of Uncertain Significance.

NM_004836.7(EIF2AK3):c.1717A>C (p.Asn573His)

Gene: EIF2AK3 (eukaryotic translation initiation factor 2 alpha kinase 3; minus strand). Cytogenetic location: 2p11.2.
Variant type: single nucleotide variant.
Coding change: c.1717A>C on transcript NM_004836.7 (MANE Select); coding-DNA position 1717, A replaced by C.
Protein change: p.Asn573His; replaces asparagine 573 with histidine.
Molecular consequence: missense variant.
Genome position (GRCh38, 1-based): chr2:88,583,476, T>G on the plus strand (A>C on the coding strand, the complement: EIF2AK3 is on the minus strand). VCF-style: chr2-88583476-T-G. GRCh37 (hg19) VCF-style: chr2-88882994-T-G.
Other names: c.1264A>C, p.Asn422His (NM_001313915.2); c.1717A>C (NM_004836.5); short protein forms N422H, N573H.
Identifiers: ClinVar variation 1983203 (VCV001983203.2), dbSNP rs749734822, ClinGen allele CA1754621.
Genomic context (GRCh38, chr2:88,583,476, plus strand): 5'-TATAAGACTCTTACCGTGATATATATCCAGAGTTTTTTATGTCATTCCAGCTACTGTCAT[T>G]GGCTTCACCACTTACAGAATCATATTTATTTTCAGTTTGACACTGAGTTTCAGACTCCTT-3'
Protein context (NP_004827.4, residues 563-583): NKYDSVSGEA[Asn573His]DSSWNDIKNS